The following is an entry in ClinVar:

NM_024675.4(PALB2):c.2774T>C (p.Val925Ala)

Gene: PALB2 (partner and localizer of BRCA2; minus strand). Cytogenetic location: 16p12.2.
Variant type: single nucleotide variant.
Coding change: c.2774T>C on transcript NM_024675.4 (MANE Select); coding-DNA position 2774, T replaced by C.
Protein change: p.Val925Ala; replaces valine 925 with alanine.
Molecular consequence: missense variant.
Genome position (GRCh38, 1-based): chr16:23,624,069, A>G on the plus strand (T>C on the coding strand, the complement: PALB2 is on the minus strand). VCF-style: chr16-23624069-A-G. GRCh37 (hg19) VCF-style: chr16-23635390-A-G.
Other names: short protein forms V925A.
Identifiers: ClinVar variation 460958 (VCV000460958.19), dbSNP rs1555459734, ClinGen allele CA395145135.

ClinVar aggregate classification (germline): Uncertain significance. Review status: criteria provided, multiple submitters, no conflicts (2 of 4 stars). 4 submissions from 4 submitters: Uncertain significance (4). Last evaluated 2024-07-12.

Conditions:
Hereditary cancer-predisposing syndrome. Also called: Hereditary neoplastic syndrome; Neoplastic Syndromes, Hereditary; Tumor predisposition; Hereditary Cancer Syndrome. Identifiers: Orphanet 140162, MedGen C0027672, MeSH D009386, MONDO:0015356.
Familial cancer of breast. Also called: BREAST CANCER, FAMILIAL; hereditary breast carcinoma; Hereditary breast cancer. Identifiers: Orphanet 227535, MedGen C0346153, MONDO:0016419, OMIM 114480. Disease mechanism: loss of function.
Pancreatic cancer, susceptibility to, 3. Identifiers: Orphanet 1333, MedGen C3150547, MONDO:0013236, OMIM 613348.
Fanconi anemia complementation group N. Also called: PALB2-Related Fanconi Anemia. Identifiers: Orphanet 84, MedGen C1835817, MONDO:0012565, OMIM 610832. Disease mechanism: loss of function.

Allele frequency attached by ClinVar (database versions not stated): gnomAD exomes below 0.00001.
gnomAD v4.1: 3 of 1,607,988 alleles (0.00019%); highest among the groups gnomAD compares: Non-Finnish European, 0.00017%; no homozygotes.

Submissions (4):

Labcorp Genetics (formerly Invitae), Labcorp
Classification: Uncertain significance for Familial cancer of breast. Last evaluated: 2024-07-12. Review status: criteria provided, single submitter. Criteria: Invitae Variant Classification Sherloc (09022015). Collection method: clinical testing. Allele origin: germline.
Comment: This sequence change replaces valine, which is neutral and non-polar, with alanine, which is neutral and non-polar, at codon 925 of the PALB2 protein (p.Val925Ala). This variant is not present in population databases (gnomAD no frequency). This variant has not been reported in the literature in individuals affected with PALB2-related conditions. ClinVar contains an entry for this variant (Variation ID: 460958). Advanced modeling of protein sequence and biophysical properties (such as structural, functional, and spatial information, amino acid conservation, physicochemical variation, residue mobility, and thermodynamic stability) performed at Invitae indicates that this missense variant is expected to disrupt PALB2 protein function with a positive predictive value of 80%. In summary, the available evidence is currently insufficient to determine the role of this variant in disease. Therefore, it has been classified as a Variant of Uncertain Significance.

Color Diagnostics, LLC DBA Color Health
Classification: Uncertain significance for Hereditary cancer-predisposing syndrome. Last evaluated: 2024-06-20. Review status: criteria provided, single submitter. Criteria: ACMG Guidelines, 2015. Collection method: clinical testing. Allele origin: germline.
Comment: This missense variant replaces valine with alanine at codon 925 of the PALB2 protein. Computational prediction suggests that this variant may not impact protein structure and function (internally defined REVEL score threshold <= 0.5, PMID: 27666373). To our knowledge, functional studies have not been reported for this variant. This variant has not been reported in individuals affected with PALB2-related disorders in the literature. This variant has not been identified in the general population by the Genome Aggregation Database (gnomAD). The available evidence is insufficient to determine the role of this variant in disease conclusively. Therefore, this variant is classified as a Variant of Uncertain Significance.

Ambry Genetics
Classification: Uncertain significance for Hereditary cancer-predisposing syndrome. Last evaluated: 2024-05-04. Review status: criteria provided, single submitter. Criteria: Ambry Variant Classification Scheme 2023. Collection method: clinical testing. Allele origin: germline.
Comment: The p.V925A variant (also known as c.2774T>C), located in coding exon 8 of the PALB2 gene, results from a T to C substitution at nucleotide position 2774. The valine at codon 925 is replaced by alanine, an amino acid with similar properties. This amino acid position is not well conserved in available vertebrate species. In addition, this alteration is predicted to be tolerated by in silico analysis. Since supporting evidence is limited at this time, the clinical significance of this alteration remains unclear.

Fulgent Genetics
Classification: Uncertain significance for Familial cancer of breast; Fanconi anemia complementation group N; Pancreatic cancer, susceptibility to, 3. Last evaluated: 2021-12-27. Review status: criteria provided, single submitter. Criteria: ACMG Guidelines, 2015. Collection method: clinical testing. Allele origin: unknown.